The following is an entry in ClinVar:

NM_001017995.3(SH3PXD2B):c.667+4G>A

Gene: SH3PXD2B (SH3 and PX domains 2B; minus strand). Cytogenetic location: 5q35.1.
Variant type: single nucleotide variant.
Coding change: c.667+4G>A on transcript NM_001017995.3 (MANE Select); 4 bases into the intron after coding-DNA position 667, G replaced by A.
Molecular consequence: intron variant.
Genome position (GRCh38, 1-based): chr5:172,358,769, C>T on the plus strand (G>A on the coding strand, the complement: SH3PXD2B is on the minus strand). VCF-style: chr5-172358769-C-T. GRCh37 (hg19) VCF-style: chr5-171785773-C-T.
Other names: c.667+4G>A (NM_001308175.2).
Identifiers: ClinVar variation 4760121 (VCV004760121.1).

ClinVar aggregate classification (germline): Uncertain significance (1 of 4 stars; one submission).

gnomAD v4.1: 12 of 1,610,328 alleles (0.00075%); highest among the groups gnomAD compares: Non-Finnish European, 0.00085%; no homozygotes.

Submission:

Labcorp Genetics (formerly Invitae), Labcorp
Classification: Uncertain significance. Last evaluated: 2025-08-25. Review status: criteria provided, single submitter. Criteria: Invitae Variant Classification Sherloc (09022015). Collection method: clinical testing. Allele origin: germline.
Comment: This sequence change falls in intron 8 of the SH3PXD2B gene. It does not directly change the encoded amino acid sequence of the SH3PXD2B protein. It affects a nucleotide within the consensus splice site. This variant is present in population databases (rs763652816, gnomAD 0.004%). This variant has not been reported in the literature in individuals affected with SH3PXD2B-related conditions. Variants that disrupt the consensus splice site are a relatively common cause of aberrant splicing (PMID: 17576681, 9536098). Algorithms developed to predict the effect of sequence changes on RNA splicing suggest that this variant is not likely to affect RNA splicing. In summary, the available evidence is currently insufficient to determine the role of this variant in disease. Therefore, it has been classified as a Variant of Uncertain Significance.

Literature cited by the submitters: PubMed 17576681; PubMed 9536098.